The following is an entry in ClinVar:

NM_000254.3(MTR):c.2304+3A>C

Gene: MTR (5-methyltetrahydrofolate-homocysteine methyltransferase; plus strand). Cytogenetic location: 1q43.
Variant type: single nucleotide variant.
Coding change: c.2304+3A>C on transcript NM_000254.3 (MANE Select); 3 bases into the intron after coding-DNA position 2304, A replaced by C.
Molecular consequence: intron variant.
Genome position (GRCh38, 1-based): chr1:236,862,346, A>C. VCF-style: chr1-236862346-A-C. GRCh37 (hg19) VCF-style: chr1-237025646-A-C.
Other names: c.2151+3A>C (NM_001291939.1); c.1083+3A>C (NM_001291940.2).
Identifiers: ClinVar variation 663061 (VCV000663061.6), dbSNP rs1572283994, ClinGen allele CA915942075.

ClinVar aggregate classification (germline): Uncertain significance (1 of 4 stars; one submission).

Conditions:
Methylcobalamin deficiency type cblG (HMAG). Also called: HOMOCYSTINURIA-MEGALOBLASTIC ANEMIA, cblG TYPE; HOMOCYSTINURIA-MEGALOBLASTIC ANEMIA DUE TO DEFECT IN COBALAMIN METABOLISM, cblG COMPLEMENTATION TYPE; Functional methionine synthase deficiency type cblG; HOMOCYSTINURIA-MEGALOBLASTIC ANEMIA, cblG COMPLEMENTATION TYPE. Identifiers: Orphanet 2170, Orphanet 622, MedGen C1855128, MONDO:0009609, OMIM 250940.

Submission:

Labcorp Genetics (formerly Invitae), Labcorp
Classification: Uncertain significance for Methylcobalamin deficiency type cblG. Last evaluated: 2018-08-20. Review status: criteria provided, single submitter. Criteria: Invitae Variant Classification Sherloc (09022015). Collection method: clinical testing. Allele origin: germline.
Comment: This sequence change falls in intron 21 of the MTR gene. It does not directly change the encoded amino acid sequence of the MTR protein, but it affects a nucleotide within the consensus splice site of the intron. This variant is not present in population databases (ExAC no frequency). This variant has not been reported in the literature in individuals with MTR-related disease. Nucleotide substitutions within the consensus splice site are a relatively common cause of aberrant splicing (PMID: 17576681, 9536098). Algorithms developed to predict the effect of sequence changes on RNA splicing suggest that this variant is not likely to affect RNA splicing, but this prediction has not been confirmed by published transcriptional studies. In summary, the available evidence is currently insufficient to determine the role of this variant in disease. Therefore, it has been classified as a Variant of Uncertain Significance.

Literature cited by the submitters: PubMed 17576681; PubMed 9536098.